The following is an entry in ClinVar:

ClinVar aggregate classification (germline): Benign/Likely benign. Review status: criteria provided, multiple submitters, no conflicts (2 of 4 stars). 3 submissions from 3 submitters: Benign (1); Likely benign (1). 1 of the submissions does not count toward it. Last evaluated 2025-11-12.

Conditions:
DOCK6-related disorder. Also called: DOCK6-related condition.

Allele frequency attached by ClinVar (database versions not stated): gnomAD exomes 0.00025; ExAC 0.00067; ESP Exome Variant Server 0.00074; 1000 Genomes Project 0.00080; 1000 Genomes Project 30x 0.00094; gnomAD 0.00133 and 0.00140; TOPMed 0.00143.
gnomAD v4.1: 403 of 1,561,102 alleles (0.026%); highest among the groups gnomAD compares: African/African-American, 0.49%; 1 homozygote.

Submissions (3):

Labcorp Genetics (formerly Invitae), Labcorp
Classification: Benign. Last evaluated: 2025-11-12. Review status: criteria provided, single submitter. Criteria: Invitae Variant Classification Sherloc (09022015). Collection method: clinical testing. Allele origin: germline.

Blueprint Genetics
Classification: Likely benign. Last evaluated: 2022-04-21. Review status: criteria provided, single submitter. Criteria: ACMG Guidelines, 2015. Collection method: clinical testing. Allele origin: germline.

PreventionGenetics, part of Exact Sciences
Classification: Likely benign for DOCK6-related condition. Last evaluated: 2020-02-12. Review status: no assertion criteria provided. Collection method: clinical testing. Allele origin: germline. Not counted in ClinVar's aggregate classification.
Comment: This variant is classified as likely benign based on ACMG/AMP sequence variant interpretation guidelines (Richards et al. 2015 PMID: 25741868, with internal and published modifications).

NM_020812.4(DOCK6):c.810C>T (p.Phe270=)

Gene: DOCK6 (dedicator of cytokinesis 6; minus strand). Cytogenetic location: 19p13.2.
Variant type: single nucleotide variant.
Coding change: c.810C>T on transcript NM_020812.4 (MANE Select); coding-DNA position 810, C replaced by T.
Protein change: p.Phe270=; no amino-acid change (phenylalanine 270 retained).
Molecular consequence: synonymous variant.
Genome position (GRCh38, 1-based): chr19:11,245,875, G>A on the plus strand (C>T on the coding strand, the complement: DOCK6 is on the minus strand). VCF-style: chr19-11245875-G-A. GRCh37 (hg19) VCF-style: chr19-11356551-G-A.
Other names: c.810C>T, p.Phe270= (NM_001367830.1).
Identifiers: ClinVar variation 729645 (VCV000729645.12), dbSNP rs372611420, ClinGen allele CA9208326.